The following is an entry in ClinVar:

ClinVar aggregate classification (germline): Uncertain significance. Review status: criteria provided, multiple submitters, no conflicts (2 of 4 stars). 3 submissions from 3 submitters: Uncertain significance (3). Last evaluated 2025-05-12.

Conditions:
Spinocerebellar ataxia type 40. Identifiers: Orphanet 423275, MedGen C4518336, MONDO:0014475, OMIM 616053.
Hydrocephalus, nonsyndromic, autosomal recessive 1 (HYC1). Also called: Hydrocephalus, nonsyndromic, autosomal recessive; Congenital hydrocephalus 1. Identifiers: Orphanet 2185, MedGen C3887608, MONDO:0009360, OMIM 236600.
Inborn genetic diseases. Identifiers: MedGen C0950123, MeSH D030342.

gnomAD v4.1: 170 of 1,613,864 alleles (0.011%); highest among the groups gnomAD compares: East Asian, 0.37%; no homozygotes.

Submissions (3):

Women's Health and Genetics/Laboratory Corporation of America, LabCorp
Classification: Uncertain significance. Last evaluated: 2025-05-12. Review status: criteria provided, single submitter. Criteria: LabCorp Variant Classification Summary - May 2015. Collection method: clinical testing. Allele origin: germline.
Comment: Variant summary: CCDC88C c.1748C>T (p.Ala583Val) results in a non-conservative amino acid change in the encoded protein sequence. Algorithms developed to predict the effect of missense changes on protein structure and function are either unavailable or do not agree on the potential impact of this missense change. The variant allele was found at a frequency of 2.4e-05 in 249042 control chromosomes. The available data on variant occurrences in the general population are insufficient to allow any conclusion about variant significance. To our knowledge, no occurrence of c.1748C>T in individuals affected with CCDC88C-Related Disorders and no experimental evidence demonstrating its impact on protein function have been reported. ClinVar contains an entry for this variant (Variation ID: 3487111). Based on the evidence outlined above, the variant was classified as uncertain significance.

Ambry Genetics
Classification: Uncertain significance for Inborn genetic diseases. Last evaluated: 2024-08-20. Review status: criteria provided, single submitter. Criteria: Ambry Variant Classification Scheme 2023. Collection method: clinical testing. Allele origin: germline.

Fulgent Genetics
Classification: Uncertain significance for Hydrocephalus, nonsyndromic, autosomal recessive 1; Spinocerebellar ataxia type 40. Last evaluated: 2024-03-14. Review status: criteria provided, single submitter. Criteria: ACMG Guidelines, 2015. Collection method: clinical testing. Allele origin: germline.

NM_001080414.4(CCDC88C):c.1748C>T (p.Ala583Val)

Gene: CCDC88C (coiled-coil and HOOK domain protein 88C; minus strand). Cytogenetic location: 14q32.11.
Variant type: single nucleotide variant.
Coding change: c.1748C>T on transcript NM_001080414.4 (MANE Select); coding-DNA position 1748, C replaced by T.
Protein change: p.Ala583Val; replaces alanine 583 with valine.
Molecular consequence: missense variant. On other transcripts: non-coding transcript variant (2).
Genome position (GRCh38, 1-based): chr14:91,314,068, G>A on the plus strand (C>T on the coding strand, the complement: CCDC88C is on the minus strand). VCF-style: chr14-91314068-G-A. GRCh37 (hg19) VCF-style: chr14-91780412-G-A.
Other names: short protein forms A583V.
Identifiers: ClinVar variation 3487111 (VCV003487111.3).
Genomic context (GRCh38, chr14:91,314,068, plus strand): 5'-TTGGCCTCCGTCACCGTCTGGTGGAGGGCTTTGTTCTCCTTCTCCACGTCTTTCATGCGG[G>A]CCTCACTGCTGACCTGCGACCTCTCCCGCAGCGACCACATGGCTCGGTTGAGGTGGTCCT-3'
Protein context (NP_001073883.2, residues 573-593): LRERSQVSSE[Ala583Val]RMKDVEKENK